The following is an entry in ClinVar:

NM_001374353.1(GLI2):c.1822C>G (p.Pro608Ala)

Gene: GLI2 (GLI family zinc finger 2; plus strand). Cytogenetic location: 2q14.2.
Variant type: single nucleotide variant.
Coding change: c.1822C>G on transcript NM_001374353.1 (MANE Select); coding-DNA position 1822, C replaced by G.
Protein change: p.Pro608Ala; replaces proline 608 with alanine.
Molecular consequence: missense variant.
Genome position (GRCh38, 1-based): chr2:120,984,660, C>G. VCF-style: chr2-120984660-C-G. GRCh37 (hg19) VCF-style: chr2-121742236-C-G.
Other names: c.1873C>G, p.Pro625Ala (NM_001371271.1, NM_005270.5); c.1447C>G, p.Pro483Ala (NM_001374354.1); short protein forms P483A, P608A, P625A.
Identifiers: ClinVar variation 2630410 (VCV002630410.2), dbSNP rs3099537, ClinGen allele CA348163319.

ClinVar aggregate classification (germline): Uncertain significance (0 of 4 stars; one submission).

Conditions:
GLI2-related disorder. Also called: GLI2-related disorders; GLI2-related condition.

Submission:

PreventionGenetics, part of Exact Sciences
Classification: Uncertain significance for GLI2-related condition. Last evaluated: 2024-04-23. Review status: no assertion criteria provided. Collection method: clinical testing. Allele origin: germline.
Comment: The GLI2 c.1873C>G variant is predicted to result in the amino acid substitution p.Pro625Ala. To our knowledge, this variant has not been reported in the literature or in a large population database, indicating this variant is rare. At this time, the clinical significance of this variant is uncertain due to the absence of conclusive functional and genetic evidence.